The following is an entry in ClinVar:

ClinVar aggregate classification (germline): Likely benign. Review status: criteria provided, multiple submitters, no conflicts (2 of 4 stars). 2 submissions from 2 submitters: Likely benign (2). Last evaluated 2025-07-01.

Allele frequency attached by ClinVar (database versions not stated): gnomAD exomes 0.00002; ExAC 0.00004.
gnomAD v4.1: 29 of 1,585,690 alleles (0.0018%); highest among the groups gnomAD compares: Non-Finnish European, 0.0022%; no homozygotes.

Submissions (2):

CeGaT Center for Human Genetics Tuebingen
Classification: Likely benign. Last evaluated: 2025-07-01. Review status: criteria provided, single submitter. Criteria: CeGaT Center For Human Genetics Tuebingen Variant Classification Criteria Version 2. Collection method: clinical testing. Allele origin: germline. Affected: yes. Observed: 1 variant allele.
Comment: STAG1: BP4

Labcorp Genetics (formerly Invitae), Labcorp
Classification: Likely benign. Last evaluated: 2023-11-13. Review status: criteria provided, single submitter. Criteria: Invitae Variant Classification Sherloc (09022015). Collection method: clinical testing. Allele origin: germline.

NM_005862.3(STAG1):c.1547-8T>C

Gene: STAG1 (STAG1 cohesin complex component; minus strand). Cytogenetic location: 3q22.3.
Variant type: single nucleotide variant.
Coding change: c.1547-8T>C on transcript NM_005862.3 (MANE Select); 8 bases into the intron before coding-DNA position 1547, T replaced by C.
Molecular consequence: intron variant.
Genome position (GRCh38, 1-based): chr3:136,433,667, A>G on the plus strand (T>C on the coding strand, the complement: STAG1 is on the minus strand). VCF-style: chr3-136433667-A-G. GRCh37 (hg19) VCF-style: chr3-136152509-A-G.
Identifiers: ClinVar variation 2871968 (VCV002871968.11), dbSNP rs760086944, ClinGen allele CA2632858.
Genomic context (GRCh38, chr3:136,433,667, plus strand): 5'-AATTGTACAAACCATTAGCTCTATAAGAGCACTCTCTTGACGATCAGACATTGCTAAGGT[A>G]AAACAAAATACATGAGCATGAGTAGACAGTTTTACAACAACCATGTATTAAAAATGAACA-3'